The following is an entry in ClinVar:

NM_017849.4(TMEM127):c.*2012C>T

Gene: TMEM127 (transmembrane protein 127; minus strand). Cytogenetic location: 2q11.2.
Variant type: single nucleotide variant.
Coding change: c.*2012C>T on transcript NM_017849.4 (MANE Select); 2012 bases downstream of the stop codon, C replaced by T.
Molecular consequence: 3 prime UTR variant.
Genome position (GRCh38, 1-based): chr2:96,251,796, G>A on the plus strand (C>T on the coding strand, the complement: TMEM127 is on the minus strand). VCF-style: chr2-96251796-G-A. GRCh37 (hg19) VCF-style: chr2-96917534-G-A.
Other names: c.*2012C>T (NM_001193304.3).
Identifiers: ClinVar variation 337471 (VCV000337471.5), dbSNP rs149122699, ClinGen allele CA10614631.

ClinVar aggregate classification (germline): Benign (1 of 4 stars; one submission).

Conditions:
Pheochromocytoma. Also called: MAX-Related Hereditary Paraganglioma-Pheochromocytoma Syndrome. Identifiers: Orphanet 29072, MedGen C0031511, MONDO:0008233, OMIM 171300, HP:0002666.

Allele frequency attached by ClinVar (database versions not stated): gnomAD exomes 0.00104; gnomAD 0.00594 and 0.00641; 1000 Genomes Project 30x 0.00625; TOPMed 0.00633; 1000 Genomes Project 0.00639.
gnomAD v4.1: 991 of 233,172 alleles (0.43%); highest among the groups gnomAD compares: African/African-American, 2%; 10 homozygotes.

Submission:

Illumina Laboratory Services, Illumina
Classification: Benign for Pheochromocytoma. Last evaluated: 2018-01-12. Review status: criteria provided, single submitter. Criteria: ICSL Variant Classification Criteria 13 December 2019. Collection method: clinical testing. Allele origin: germline.
Comment: This variant was observed in the ICSL laboratory as part of a predisposition screen in an ostensibly healthy population. It had not been previously curated by ICSL or reported in the Human Gene Mutation Database (HGMD: prior to June 1st, 2018), and was therefore a candidate for classification through an automated scoring system. Utilizing variant allele frequency, disease prevalence and penetrance estimates, and inheritance mode, an automated score was calculated to assess if this variant is too frequent to cause the disease. Based on the score and internal cut-off values, a variant classified as benign is not then subjected to further curation. The score for this variant resulted in a classification of benign for this disease.